The following is an entry in ClinVar:

NM_001286.5(CLCN6):c.1793+3A>G

Gene: CLCN6 (chloride voltage-gated channel 6; plus strand). Cytogenetic location: 1p36.22.
Variant type: single nucleotide variant.
Coding change: c.1793+3A>G on transcript NM_001286.5 (MANE Select); 3 bases into the intron after coding-DNA position 1793, A replaced by G.
Molecular consequence: intron variant.
Genome position (GRCh38, 1-based): chr1:11,834,593, A>G. VCF-style: chr1-11834593-A-G. GRCh37 (hg19) VCF-style: chr1-11894650-A-G.
Other names: c.1727+3A>G (NM_001256959.2).
Identifiers: ClinVar variation 1354311 (VCV001354311.6), dbSNP rs1175691793, ClinGen allele CA521194785.

ClinVar aggregate classification (germline): Uncertain significance (1 of 4 stars; one submission).

Allele frequency attached by ClinVar (database versions not stated): gnomAD exomes below 0.00001 and 0.00001; TOPMed below 0.00001; gnomAD 0.00001.
gnomAD v4.1: 17 of 1,613,114 alleles (0.0011%); highest among the groups gnomAD compares: Non-Finnish European, 0.0014%; no homozygotes.

Submission:

Labcorp Genetics (formerly Invitae), Labcorp
Classification: Uncertain significance. Last evaluated: 2023-04-29. Review status: criteria provided, single submitter. Criteria: Invitae Variant Classification Sherloc (09022015). Collection method: clinical testing. Allele origin: germline.
Comment: This sequence change falls in intron 17 of the CLCN6 gene. It does not directly change the encoded amino acid sequence of the CLCN6 protein. It affects a nucleotide within the consensus splice site. This variant is present in population databases (no rsID available, gnomAD 0.0009%). This variant has not been reported in the literature in individuals affected with CLCN6-related conditions. ClinVar contains an entry for this variant (Variation ID: 1354311). Variants that disrupt the consensus splice site are a relatively common cause of aberrant splicing (PMID: 17576681, 9536098). Algorithms developed to predict the effect of sequence changes on RNA splicing suggest that this variant is not likely to affect RNA splicing. In summary, the available evidence is currently insufficient to determine the role of this variant in disease. Therefore, it has been classified as a Variant of Uncertain Significance.

Literature cited by the submitters: PubMed 17576681; PubMed 9536098.